The following is an entry in ClinVar:

ClinVar aggregate classification (germline): Uncertain significance (1 of 4 stars; one submission).

Conditions:
Oculofaciocardiodental syndrome (MCOPS2). Identifiers: Orphanet 2712, MedGen C1846265, MONDO:0010261, OMIM 300166.

Submission:

Labcorp Genetics (formerly Invitae), Labcorp
Classification: Uncertain significance for Oculofaciocardiodental syndrome. Last evaluated: 2023-08-30. Review status: criteria provided, single submitter. Criteria: Invitae Variant Classification Sherloc (09022015). Collection method: clinical testing. Allele origin: germline.
Comment: This variant is not present in population databases (gnomAD no frequency). This sequence change replaces glutamic acid, which is acidic and polar, with lysine, which is basic and polar, at codon 836 of the BCOR protein (p.Glu836Lys). This variant has not been reported in the literature in individuals affected with BCOR-related conditions. In summary, the available evidence is currently insufficient to determine the role of this variant in disease. Therefore, it has been classified as a Variant of Uncertain Significance. An algorithm developed to predict the effect of missense changes on protein structure and function (PolyPhen-2) suggests that this variant is likely to be tolerated.

NM_001123385.2(BCOR):c.2506G>A (p.Glu836Lys)

Gene: BCOR (BCL6 corepressor; minus strand). Cytogenetic location: Xp11.4.
Variant type: single nucleotide variant.
Coding change: c.2506G>A on transcript NM_001123385.2 (MANE Select); coding-DNA position 2506, G replaced by A.
Protein change: p.Glu836Lys; replaces glutamic acid 836 with lysine.
Molecular consequence: missense variant.
Genome position (GRCh38, 1-based): chrX:40,072,840, C>T on the plus strand (G>A on the coding strand, the complement: BCOR is on the minus strand). VCF-style: chrX-40072840-C-T. GRCh37 (hg19) VCF-style: chrX-39932093-C-T.
Other names: c.2506G>A, p.Glu836Lys (NM_001123383.2, NM_001123384.2, NM_017745.6); short protein forms E836K.
Identifiers: ClinVar variation 2698525 (VCV002698525.3), dbSNP rs2519938017, ClinGen allele CA412742482.